The following is an entry in ClinVar:

NM_000506.5(F2):c.1217A>G (p.His406Arg)

Gene: F2 (coagulation factor II, thrombin; plus strand). Cytogenetic location: 11p11.2.
Variant type: single nucleotide variant.
Coding change: c.1217A>G on transcript NM_000506.5 (MANE Select); coding-DNA position 1217, A replaced by G.
Protein change: p.His406Arg; replaces histidine 406 with arginine.
Molecular consequence: missense variant.
Genome position (GRCh38, 1-based): chr11:46,728,082, A>G. VCF-style: chr11-46728082-A-G. GRCh37 (hg19) VCF-style: chr11-46749632-A-G.
Other names: p.His406Arg; short protein forms H406R.
Identifiers: ClinVar variation 4884894 (VCV004884894.1).

ClinVar aggregate classification (germline): Likely pathogenic (1 of 4 stars; one submission).

Conditions:
Congenital prothrombin deficiency. Also called: HYPOPROTHROMBINEMIA; Factor II deficiency; Hereditary factor II deficiency disease; Inherited hypoprothrombinemia; Congenital factor II deficiency; Inherited prothrombin deficiency. Identifiers: Orphanet 325, MedGen C0272317, MONDO:0013361, OMIM 613679.

gnomAD v4.1: 2 of 1,610,842 alleles (0.00012%); highest among the groups gnomAD compares: Non-Finnish European, 0.000085%; no homozygotes.

Submission:

Department of Pediatrics, Duzce University
Classification: Likely pathogenic for Congenital prothrombin deficiency. Last evaluated: 2026-07-12. Review status: criteria provided, single submitter. Criteria: ACMG Guidelines, 2015. Collection method: research. Allele origin: germline. Inheritance: Autosomal recessive inheritance. Affected: no. Observed: 1 variant allele, 1 heterozygote.
Comment: NCBI-resolved condition (MedGen 66658). Independent ClinVar confirmation pending.